The following is an entry in ClinVar:

NC_000019.9:g.(?_15349188)_(15379873_?)dup

Gene: BRD4 (bromodomain containing 4; minus strand). Cytogenetic location: 19p13.12.
Variant type: Duplication.
Identifiers: ClinVar variation 2427175 (VCV002427175.4).

ClinVar aggregate classification (germline): Uncertain significance (1 of 4 stars; one submission).

Submission:

Labcorp Genetics (formerly Invitae), Labcorp
Classification: Uncertain significance. Last evaluated: 2022-09-27. Review status: criteria provided, single submitter. Criteria: Invitae Variant Classification Sherloc (09022015). Collection method: clinical testing. Allele origin: germline.
Comment: In summary, the available evidence is currently insufficient to determine the role of this variant in disease. Therefore, it has been classified as a Variant of Uncertain Significance. This variant has not been reported in the literature in individuals affected with BRD4-related conditions. This variant results in a copy number gain of the genomic region encompassing exon(s) 3-20 of the BRD4 gene. This region includes the termination codon of the gene. This copy number gain extends beyond the assayed region for this gene and therefore may encompass additional genes. As the precise location of this event is unknown, it may be in tandem or it may be located elsewhere in the genome.